The following is an entry in ClinVar:

ClinVar aggregate classification (germline): Likely pathogenic (1 of 4 stars; one submission).

Conditions:
Mucopolysaccharidosis, MPS-IV-B (MPS4B). Also called: Mucopolysaccharidosis type 4B; Mucopolysaccharidosis type IVB (Morquio); MPS IVB; MORQUIO SYNDROME B; Mucopolysaccharidosis type IV B; Mucopolysaccharidosis Type IVB. Identifiers: Orphanet 309310, Orphanet 582, MedGen C0086652, MONDO:0009660, OMIM 253010.
GM1 gangliosidosis. Identifiers: Orphanet 354, MedGen C0085131, MONDO:0018149.

Submission:

Labcorp Genetics (formerly Invitae), Labcorp
Classification: Likely pathogenic for Mucopolysaccharidosis, MPS-IV-B; GM1 gangliosidosis. Last evaluated: 2024-01-07. Review status: criteria provided, single submitter. Criteria: Invitae Variant Classification Sherloc (09022015). Collection method: clinical testing. Allele origin: germline.
Comment: This sequence change affects an acceptor splice site in intron 8 of the GLB1 gene. It is expected to disrupt RNA splicing. Variants that disrupt the donor or acceptor splice site typically lead to a loss of protein function (PMID: 16199547), and loss-of-function variants in GLB1 are known to be pathogenic (PMID: 18524657). This variant is not present in population databases (gnomAD no frequency). This variant has not been reported in the literature in individuals affected with GLB1-related conditions. Algorithms developed to predict the effect of sequence changes on RNA splicing suggest that this variant may disrupt the consensus splice site. In summary, the currently available evidence indicates that the variant is pathogenic, but additional data are needed to prove that conclusively. Therefore, this variant has been classified as Likely Pathogenic.

Literature cited by the submitters: PubMed 16199547; PubMed 18524657.

NM_000404.4(GLB1):c.915-2A>G

Gene: GLB1 (galactosidase beta 1; minus strand). Cytogenetic location: 3p22.3.
Variant type: single nucleotide variant.
Coding change: c.915-2A>G on transcript NM_000404.4 (MANE Select); the canonical splice acceptor site of the intron before coding-DNA position 915, A replaced by G.
Molecular consequence: splice acceptor variant.
Genome position (GRCh38, 1-based): chr3:33,051,800, T>C on the plus strand (A>G on the coding strand, the complement: GLB1 is on the minus strand). VCF-style: chr3-33051800-T-C. GRCh37 (hg19) VCF-style: chr3-33093292-T-C.
Other names: c.915-2A>G (NM_001393580.1); c.522-2A>G (NM_001135602.3); c.1059-2A>G (NM_001317040.2); c.825-2A>G (NM_001079811.3).
Identifiers: ClinVar variation 2942110 (VCV002942110.3), dbSNP rs2471374263, ClinGen allele CA352001103.